The following is an entry in ClinVar:

ClinVar aggregate classification (germline): Likely benign. Review status: criteria provided, multiple submitters, no conflicts (2 of 4 stars). 3 submissions from 3 submitters: Likely benign (2). 1 of the submissions does not count toward it. Last evaluated 2026-04-01.

Conditions:
PIEZO1-related disorder. Also called: PIEZO1-Related Disorders; PIEZO1-related condition.

Allele frequency attached by ClinVar (database versions not stated): gnomAD exomes 0.00008; ExAC 0.00035; 1000 Genomes Project 30x 0.00094; 1000 Genomes Project 0.00100.
gnomAD v4.1: 198 of 1,549,606 alleles (0.013%); highest among the groups gnomAD compares: African/African-American, 0.21%; no homozygotes.

Submissions (3):

CeGaT Center for Human Genetics Tuebingen
Classification: Likely benign. Last evaluated: 2026-04-01. Review status: criteria provided, single submitter. Criteria: CeGaT Center For Human Genetics Tuebingen Variant Classification Criteria Version 2. Collection method: clinical testing. Allele origin: germline. Affected: yes. Observed: 1 variant allele.
Comment: PIEZO1: BP4, BP7

Labcorp Genetics (formerly Invitae), Labcorp
Classification: Likely benign. Last evaluated: 2025-10-14. Review status: criteria provided, single submitter. Criteria: Invitae Variant Classification Sherloc (09022015). Collection method: clinical testing. Allele origin: germline.

PreventionGenetics, part of Exact Sciences
Classification: Likely benign for PIEZO1-related condition. Last evaluated: 2019-07-31. Review status: no assertion criteria provided. Collection method: clinical testing. Allele origin: germline. Not counted in ClinVar's aggregate classification.
Comment: This variant is classified as likely benign based on ACMG/AMP sequence variant interpretation guidelines (Richards et al. 2015 PMID: 25741868, with internal and published modifications).

NM_001142864.4(PIEZO1):c.3411G>A (p.Pro1137=)

Gene: PIEZO1 (piezo type mechanosensitive ion channel component 1 (Er blood group); minus strand). Cytogenetic location: 16q24.3.
Variant type: single nucleotide variant.
Coding change: c.3411G>A on transcript NM_001142864.4 (MANE Select); coding-DNA position 3411, G replaced by A.
Protein change: p.Pro1137=; no amino-acid change (proline 1137 retained).
Molecular consequence: synonymous variant.
Genome position (GRCh38, 1-based): chr16:88,727,083, C>T on the plus strand (G>A on the coding strand, the complement: PIEZO1 is on the minus strand). VCF-style: chr16-88727083-C-T. GRCh37 (hg19) VCF-style: chr16-88793491-C-T.
Other names: c.1953G>A, p.Pro651= (NM_014745.1).
Identifiers: ClinVar variation 3035461 (VCV003035461.5), dbSNP rs555382124, ClinGen allele CA8232496.